The following is an entry in ClinVar:

ClinVar aggregate classification (germline): Benign/Likely benign. Review status: criteria provided, multiple submitters, no conflicts (2 of 4 stars). 13 submissions from 13 submitters: Benign (3); Likely benign (6). 4 of the submissions do not count toward it. Last evaluated 2026-07-01.

Conditions:
Schaaf-Yang syndrome (SHFYNG). Also called: Arthrogryposis, distal, with hypopituitarism, intellectual disability, and facial anomalies; MAGEL2-related Prader-Willi-like syndrome. Identifiers: Orphanet 398069, MedGen C5575066, MONDO:0014243, OMIM 615547.
Prader-Willi syndrome (PWS). Identifiers: Orphanet 739, MedGen C0032897, MONDO:0008300, OMIM 176270. Disease mechanism: loss of function, Microdeletion. Inheritance: Microdletion.

Allele frequency attached by ClinVar (database versions not stated): 1000 Genomes Project 0.00080; 1000 Genomes Project 30x 0.00094; TOPMed 0.00291; ExAC 0.00332; gnomAD exomes 0.00334; ESP Exome Variant Server 0.00404; gnomAD 0.00437.

Submissions (13):

CeGaT Center for Human Genetics Tuebingen
Classification: Benign. Last evaluated: 2026-07-01. Review status: criteria provided, single submitter. Criteria: CeGaT Center For Human Genetics Tuebingen Variant Classification Criteria Version 2. Collection method: clinical testing. Allele origin: germline. Affected: yes. Observed: 46 variant alleles.
Comment: MAGEL2: BP4, BS1, BS2

Labcorp Genetics (formerly Invitae), Labcorp
Classification: Likely benign. Last evaluated: 2026-01-24. Review status: criteria provided, single submitter. Criteria: Invitae Variant Classification Sherloc (09022015). Collection method: clinical testing. Allele origin: germline.

Blueprint Genetics
Classification: Likely benign. Last evaluated: 2024-11-27. Review status: criteria provided, single submitter. Criteria: ACMG Guidelines, 2015. Collection method: clinical testing. Allele origin: germline.

GeneDx
Classification: Benign. Last evaluated: 2021-06-17. Review status: criteria provided, single submitter. Criteria: GeneDx Variant Classification Process June 2021. Collection method: clinical testing. Allele origin: germline. Affected: yes.

Fulgent Genetics
Classification: Likely benign for Prader-Willi syndrome; Schaaf-Yang syndrome. Last evaluated: 2018-10-31. Review status: criteria provided, single submitter. Criteria: ACMG Guidelines, 2015. Collection method: clinical testing. Allele origin: unknown.

Center for Pediatric Genomic Medicine, Children's Mercy Hospital and Clinics
Classification: Likely benign. Last evaluated: 2016-11-11. Review status: criteria provided, single submitter. Criteria: ACMG Guidelines, 2015. Collection method: clinical testing. Allele origin: germline.
ClinVar note: Converted during submission from Likely Benign to Likely benign.

Genetic Services Laboratory, University of Chicago
Classification: Likely benign. Last evaluated: 2015-06-02. Review status: criteria provided, single submitter. Criteria: ACMG Guidelines, 2015. Collection method: clinical testing. Allele origin: germline.

Eurofins Ntd Llc (ga)
Classification: Benign. Last evaluated: 2014-08-27. Review status: criteria provided, single submitter. Criteria: EGL Classification Definitions 2015. Collection method: clinical testing. Allele origin: germline. Observed: 1 variant allele, 1 heterozygote.

Breakthrough Genomics
Classification: Likely benign. Review status: criteria provided, single submitter. Criteria: ACMG Guidelines, 2015. Collection method: not provided. Allele origin: germline. Inheritance: Autosomal dominant inheritance. Affected: yes.

Clinical Genetics DNA and cytogenetics Diagnostics Lab, Erasmus MC, Erasmus Medical Center
Classification: Likely benign. Review status: no assertion criteria provided. Collection method: clinical testing. Allele origin: germline. Affected: yes. Study: VKGL Data-share Consensus. Not counted in ClinVar's aggregate classification.

Clinical Genetics, Academic Medical Center
Classification: Benign. Review status: no assertion criteria provided. Collection method: clinical testing. Allele origin: germline. Affected: yes. Study: VKGL Data-share Consensus. Not counted in ClinVar's aggregate classification.

Genome Diagnostics Laboratory, University Medical Center Utrecht
Classification: Benign. Review status: no assertion criteria provided. Collection method: clinical testing. Allele origin: germline. Affected: yes. Study: VKGL Data-share Consensus. Not counted in ClinVar's aggregate classification.

Laboratory of Diagnostic Genome Analysis, Leiden University Medical Center (LUMC)
Classification: Likely benign. Review status: no assertion criteria provided. Collection method: clinical testing. Allele origin: germline. Affected: yes. Study: VKGL Data-share Consensus. Not counted in ClinVar's aggregate classification.

NM_019066.5(MAGEL2):c.3017C>G (p.Thr1006Ser)

Gene: MAGEL2 (MAGE family member L2; minus strand). Cytogenetic location: 15q11.2.
Variant type: single nucleotide variant.
Coding change: c.3017C>G on transcript NM_019066.5 (MANE Select); coding-DNA position 3017, C replaced by G.
Protein change: p.Thr1006Ser; replaces threonine 1006 with serine.
Molecular consequence: missense variant.
Genome position (GRCh38, 1-based): chr15:23,644,726, G>C on the plus strand (C>G on the coding strand, the complement: MAGEL2 is on the minus strand). VCF-style: chr15-23644726-G-C. GRCh37 (hg19) VCF-style: chr15-23889873-G-C.
Other names: short protein forms T1006S.
Identifiers: ClinVar variation 193399 (VCV000193399.60), dbSNP rs138628273, ClinGen allele CA200555.